The following is an entry in ClinVar:

NM_001069.3(TUBB2A):c.1163T>C (p.Met388Thr)

Gene: TUBB2A (tubulin beta 2A class IIa; minus strand). Cytogenetic location: 6p25.2.
Variant type: single nucleotide variant.
Coding change: c.1163T>C on transcript NM_001069.3 (MANE Select); coding-DNA position 1163, T replaced by C.
Protein change: p.Met388Thr; replaces methionine 388 with threonine.
Molecular consequence: missense variant.
Genome position (GRCh38, 1-based): chr6:3,154,038, A>G on the plus strand (T>C on the coding strand, the complement: TUBB2A is on the minus strand). VCF-style: chr6-3154038-A-G. GRCh37 (hg19) VCF-style: chr6-3154272-A-G.
Other names: c.908T>C, p.Met303Thr (NM_001310315.2); short protein forms M388T, M303T.
Identifiers: ClinVar variation 437124 (VCV000437124.12), dbSNP rs1554122911, ClinGen allele CA362591089.

ClinVar aggregate classification (germline): Conflicting classifications of pathogenicity. Review status: criteria provided, conflicting classifications (1 of 4 stars). 4 submissions from 4 submitters: Pathogenic (2); Uncertain significance (1). 1 of the submissions does not count toward it. Last evaluated 2026-01-24.

Conditions:
Complex cortical dysplasia with other brain malformations 5. Identifiers: MedGen C3810407, MONDO:0014337, OMIM 615763.

Submissions (4):

GeneDx
Classification: Pathogenic. Last evaluated: 2026-01-24. Review status: criteria provided, single submitter. Criteria: GeneDx Variant Classification Process June 2021. Collection method: clinical testing. Allele origin: germline.
Comment: Not observed at significant frequency in large population cohorts (gnomAD); In silico analysis supports that this missense variant has a deleterious effect on protein structure/function; Has not been previously published as pathogenic or benign to our knowledge

Labcorp Genetics (formerly Invitae), Labcorp
Classification: Pathogenic. Last evaluated: 2023-05-22. Review status: criteria provided, single submitter. Criteria: Invitae Variant Classification Sherloc (09022015). Collection method: clinical testing. Allele origin: germline.
Comment: This sequence change replaces methionine, which is neutral and non-polar, with threonine, which is neutral and polar, at codon 388 of the TUBB2A protein (p.Met388Thr). For these reasons, this variant has been classified as Pathogenic. Advanced modeling of protein sequence and biophysical properties (such as structural, functional, and spatial information, amino acid conservation, physicochemical variation, residue mobility, and thermodynamic stability) performed at Invitae indicates that this missense variant is expected to disrupt TUBB2A protein function. ClinVar contains an entry for this variant (Variation ID: 437124). This missense change has been observed in individual(s) with TUBB2A-related conditions (Invitae). In at least one individual the variant was observed to be de novo. This variant is not present in population databases (gnomAD no frequency).

Genetic Services Laboratory, University of Chicago
Classification: Uncertain significance. Last evaluated: 2017-03-22. Review status: criteria provided, single submitter. Criteria: ACMG Guidelines, 2015. Collection method: clinical testing. Allele origin: germline. Affected: no.

Cytogénomique, Hospices Civils de Lyon
Classification: Likely pathogenic for Complex cortical dysplasia with other brain malformations 5. Review status: no assertion criteria provided. Collection method: clinical testing. Allele origin: de novo. Inheritance: Autosomal dominant inheritance. Affected: yes. Not counted in ClinVar's aggregate classification.